The following is an entry in ClinVar:

NM_005560.6(LAMA5):c.5908G>A (p.Asp1970Asn)

Gene: LAMA5 (laminin subunit alpha 5; minus strand). Cytogenetic location: 20q13.33.
Variant type: single nucleotide variant.
Coding change: c.5908G>A on transcript NM_005560.6 (MANE Select); coding-DNA position 5908, G replaced by A.
Protein change: p.Asp1970Asn; replaces aspartic acid 1970 with asparagine.
Molecular consequence: missense variant.
Genome position (GRCh38, 1-based): chr20:62,323,612, C>T on the plus strand (G>A on the coding strand, the complement: LAMA5 is on the minus strand). VCF-style: chr20-62323612-C-T. GRCh37 (hg19) VCF-style: chr20-60898668-C-T.
Other names: short protein forms D1970N.
Identifiers: ClinVar variation 3537015 (VCV003537015.2).

ClinVar aggregate classification (germline): Uncertain significance. Review status: criteria provided, multiple submitters, no conflicts (2 of 4 stars). 2 submissions from 2 submitters: Uncertain significance (2). Last evaluated 2025-03-01.

Conditions:
Inborn genetic diseases. Identifiers: MedGen C0950123, MeSH D030342.

gnomAD v4.1: 13 of 1,611,338 alleles (0.00081%); highest among the groups gnomAD compares: African/African-American, 0.0053%; no homozygotes.

Submissions (2):

GeneDx
Classification: Uncertain significance. Last evaluated: 2025-03-01. Review status: criteria provided, single submitter. Criteria: GeneDx Variant Classification Process June 2021. Collection method: clinical testing. Allele origin: germline. Affected: yes.
Comment: Has not been previously published as pathogenic or benign to our knowledge; In silico analysis indicates that this missense variant does not alter protein structure/function

Ambry Genetics
Classification: Uncertain significance for Inborn genetic diseases. Last evaluated: 2024-11-26. Review status: criteria provided, single submitter. Criteria: Ambry Variant Classification Scheme 2023. Collection method: clinical testing. Allele origin: germline.